The following is an entry in ClinVar:

NM_005993.5(TBCD):c.2970G>A (p.Leu990=)

Gene: TBCD (tubulin folding cofactor D). Cytogenetic location: 17q25.3.
Variant type: single nucleotide variant.
Coding change: c.2970G>A on transcript NM_005993.5 (MANE Select); coding-DNA position 2970, G replaced by A.
Protein change: p.Leu990=; no amino-acid change (leucine 990 retained).
Molecular consequence: synonymous variant.
Genome position (GRCh38, 1-based): chr17:82,929,479, G>A. VCF-style: chr17-82929479-G-A. GRCh37 (hg19) VCF-style: chr17-80887355-G-A.
Other names: c.2970G>A (NM_005993.4); c.2919G>A, p.Leu973= (NM_001411101.1); c.2889G>A, p.Leu963= (NM_001411102.1).
Identifiers: ClinVar variation 2885277 (VCV002885277.4), dbSNP rs372553347, ClinGen allele CA295301582.
Genomic context (GRCh38, chr17:82,929,479, plus strand): 5'-CCAGCTCCTTGGGCTGCCCACCTACCGCTACCACGTCCTGCTGGGGCTAGTCGTGTCCCT[G>A]GGCGGCTTGACGGAGTCGACGGTGAGGAGGCGTCGGGCTGGCTGGGGCAGGAGGTGGCTC-3'
Protein context (NP_005984.3, residues 980-1000): YHVLLGLVVS[Leu990=]GGLTESTIRH

ClinVar aggregate classification (germline): Likely benign. Review status: criteria provided, multiple submitters, no conflicts (2 of 4 stars). 2 submissions from 2 submitters: Likely benign (2). Last evaluated 2025-10-29.

Conditions:
TBCD-related disorder. Also called: TBCD-related condition.

Allele frequency attached by ClinVar (database versions not stated): gnomAD exomes 0.00001; TOPMed 0.00002; gnomAD 0.00003; ESP Exome Variant Server 0.00008.
gnomAD v4.1: 24 of 1,608,570 alleles (0.0015%); highest among the groups gnomAD compares: Non-Finnish European, 0.0019%; no homozygotes.

Submissions (2):

PreventionGenetics, part of Exact Sciences
Classification: Likely benign for TBCD-related condition. Last evaluated: 2025-10-29. Review status: criteria provided, single submitter. Criteria: ACMG Guidelines, 2015. Collection method: clinical testing. Allele origin: germline.
Comment: This variant is classified as likely benign based on ACMG/AMP sequence variant interpretation guidelines (Richards et al. 2015 PMID: 25741868, with internal and published modifications).

Labcorp Genetics (formerly Invitae), Labcorp
Classification: Likely benign. Last evaluated: 2025-10-01. Review status: criteria provided, single submitter. Criteria: Invitae Variant Classification Sherloc (09022015). Collection method: clinical testing. Allele origin: germline.